The following is an entry in ClinVar:

ClinVar aggregate classification (germline): Likely benign. Review status: criteria provided, multiple submitters, no conflicts (2 of 4 stars). 3 submissions from 3 submitters: Likely benign (3). Last evaluated 2026-01-14.

Conditions:
TRRAP-related disorder. Also called: TRRAP-related condition.

Allele frequency attached by ClinVar (database versions not stated): TOPMed 0.00006; ESP Exome Variant Server 0.00008; gnomAD 0.00009; gnomAD exomes 0.00013; ExAC 0.00028; 1000 Genomes Project 30x 0.00031; 1000 Genomes Project 0.00040.
gnomAD v4.1: 223 of 1,614,000 alleles (0.014%); highest among the groups gnomAD compares: Middle Eastern, 0.36%; 2 homozygotes.

Submissions (3):

Labcorp Genetics (formerly Invitae), Labcorp
Classification: Likely benign. Last evaluated: 2026-01-14. Review status: criteria provided, single submitter. Criteria: Invitae Variant Classification Sherloc (09022015). Collection method: clinical testing. Allele origin: germline.

PreventionGenetics, part of Exact Sciences
Classification: Likely benign for TRRAP-related condition. Last evaluated: 2025-10-12. Review status: criteria provided, single submitter. Criteria: ACMG Guidelines, 2015. Collection method: clinical testing. Allele origin: germline.
Comment: This variant is classified as likely benign based on ACMG/AMP sequence variant interpretation guidelines (Richards et al. 2015 PMID: 25741868, with internal and published modifications).

CeGaT Center for Human Genetics Tuebingen
Classification: Likely benign. Last evaluated: 2025-05-01. Review status: criteria provided, single submitter. Criteria: CeGaT Center For Human Genetics Tuebingen Variant Classification Criteria Version 2. Collection method: clinical testing. Allele origin: germline. Affected: yes. Observed: 1 variant allele.
Comment: TRRAP: BP4, BP7

NM_001375524.1(TRRAP):c.7707C>T (p.Asp2569=)

Gene: TRRAP (transformation/transcription domain associated protein; plus strand). Cytogenetic location: 7q22.1.
Variant type: single nucleotide variant.
Coding change: c.7707C>T on transcript NM_001375524.1 (MANE Select); coding-DNA position 7707, C replaced by T.
Protein change: p.Asp2569=; no amino-acid change (aspartic acid 2569 retained).
Molecular consequence: synonymous variant.
Genome position (GRCh38, 1-based): chr7:98,971,813, C>T. VCF-style: chr7-98971813-C-T. GRCh37 (hg19) VCF-style: chr7-98569436-C-T.
Other names: c.7686C>T, p.Asp2562= (NM_001244580.2); c.7632C>T, p.Asp2544= (NM_003496.4); c.7632C>T (NM_003496.3).
Identifiers: ClinVar variation 2054353 (VCV002054353.15), dbSNP rs145782533, ClinGen allele CA4361226.